The following is an entry in ClinVar:

NM_000222.3(KIT):c.2150G>T (p.Ser717Ile)

Gene: KIT (KIT proto-oncogene, receptor tyrosine kinase; plus strand). Cytogenetic location: 4q12.
Variant type: single nucleotide variant.
Coding change: c.2150G>T on transcript NM_000222.3 (MANE Select); coding-DNA position 2150, G replaced by T.
Protein change: p.Ser717Ile; replaces serine 717 with isoleucine.
Molecular consequence: missense variant.
Genome position (GRCh38, 1-based): chr4:54,731,336, G>T. VCF-style: chr4-54731336-G-T. GRCh37 (hg19) VCF-style: chr4-55597502-G-T.
Other names: c.2138G>T, p.Ser713Ile (NM_001093772.2, NM_001385292.1); c.2153G>T, p.Ser718Ile (NM_001385284.1); c.2147G>T, p.Ser716Ile (NM_001385285.1); c.2135G>T, p.Ser712Ile (NM_001385286.1); c.2141G>T, p.Ser714Ile (NM_001385288.1); c.2150G>T, p.Ser717Ile (NM_001385290.1); short protein forms S714I, S717I, S718I, S713I, S712I, S716I.
Identifiers: ClinVar variation 1902056 (VCV001902056.6), dbSNP rs1239669396, ClinGen allele CA356910099.

ClinVar aggregate classification (germline): Uncertain significance. Review status: criteria provided, multiple submitters, no conflicts (2 of 4 stars). 2 submissions from 2 submitters: Uncertain significance (2). Last evaluated 2024-09-14.

Conditions:
Hereditary cancer-predisposing syndrome. Also called: Neoplastic Syndromes, Hereditary; Hereditary neoplastic syndrome; Hereditary Cancer Syndrome; Tumor predisposition. Identifiers: Orphanet 140162, MedGen C0027672, MeSH D009386, MONDO:0015356.
Gastrointestinal stromal tumor. Also called: Gastrointestinal stromal tumor, somatic; Gastrointestinal stroma tumor. Identifiers: Orphanet 44890, MedGen C0238198, MeSH D046152, MONDO:0011719, OMIM 606764, HP:0100723.

Allele frequency attached by ClinVar (database versions not stated): gnomAD exomes below 0.00001; gnomAD 0.00001; TOPMed 0.00001.
gnomAD v4.1: 2 of 1,611,952 alleles (0.00012%); highest among the groups gnomAD compares: African/African-American, 0.0027%; no homozygotes.

Submissions (2):

Labcorp Genetics (formerly Invitae), Labcorp
Classification: Uncertain significance for Gastrointestinal stromal tumor. Last evaluated: 2024-09-14. Review status: criteria provided, single submitter. Criteria: Invitae Variant Classification Sherloc (09022015). Collection method: clinical testing. Allele origin: germline.
Comment: This sequence change replaces serine, which is neutral and polar, with isoleucine, which is neutral and non-polar, at codon 717 of the KIT protein (p.Ser717Ile). This variant is present in population databases (no rsID available, gnomAD 0.007%). This variant has not been reported in the literature in individuals affected with KIT-related conditions. ClinVar contains an entry for this variant (Variation ID: 1902056). An algorithm developed to predict the effect of missense changes on protein structure and function (PolyPhen-2) suggests that this variant is likely to be tolerated. In summary, the available evidence is currently insufficient to determine the role of this variant in disease. Therefore, it has been classified as a Variant of Uncertain Significance.

Ambry Genetics
Classification: Uncertain significance for Hereditary cancer-predisposing syndrome. Last evaluated: 2023-12-22. Review status: criteria provided, single submitter. Criteria: Ambry Variant Classification Scheme 2023. Collection method: clinical testing. Allele origin: germline.
Comment: The p.S717I variant (also known as c.2150G>T), located in coding exon 15 of the KIT gene, results from a G to T substitution at nucleotide position 2150. The serine at codon 717 is replaced by isoleucine, an amino acid with dissimilar properties. This amino acid position is conserved. In addition, this alteration is predicted to be tolerated by in silico analysis. Since supporting evidence is limited at this time, the clinical significance of this alteration remains unclear.